The following is an entry in ClinVar:

ClinVar aggregate classification (germline): Uncertain significance (1 of 4 stars; one submission).

gnomAD v4.1: 1 of 1,613,600 alleles (0.000062%); highest among the groups gnomAD compares: Non-Finnish European, 0.000085%; no homozygotes.

Submission:

GeneDx
Classification: Uncertain significance. Last evaluated: 2022-04-02. Review status: criteria provided, single submitter. Criteria: GeneDx Variant Classification Process June 2021. Collection method: clinical testing. Allele origin: germline. Affected: yes.
Comment: Not observed at significant frequency in large population cohorts (gnomAD); In silico analysis supports that this missense variant has a deleterious effect on protein structure/function; Has not been previously published as pathogenic or benign to our knowledge

NM_201525.4(ADGRG1):c.1671G>C (p.Trp557Cys)

Gene: ADGRG1 (adhesion G protein-coupled receptor G1; plus strand). Cytogenetic location: 16q21.
Variant type: single nucleotide variant.
Coding change: c.1671G>C on transcript NM_201525.4 (MANE Select); coding-DNA position 1671, G replaced by C.
Protein change: p.Trp557Cys; replaces tryptophan 557 with cysteine.
Molecular consequence: missense variant.
Genome position (GRCh38, 1-based): chr16:57,661,703, G>C. VCF-style: chr16-57661703-G-C. GRCh37 (hg19) VCF-style: chr16-57695615-G-C.
Other names: c.1671G>C, p.Trp557Cys (NM_001145770.3, NM_001145772.3, NM_001145774.3 and 7 more transcripts); c.1689G>C, p.Trp563Cys (NM_001145771.3, NM_001370428.1, NM_001370429.1 and 4 more transcripts); c.1686G>C, p.Trp562Cys (NM_001145773.3, NM_001370433.1, NM_001370434.1); c.1179G>C, p.Trp393Cys (NM_001290142.2); c.1164G>C, p.Trp388Cys (NM_001290143.2); c.1146G>C, p.Trp382Cys (NM_001290144.2, NM_001370451.1, NM_001370453.1 and 1 more transcripts); c.1668G>C, p.Trp556Cys (NM_001370441.1); c.1515G>C, p.Trp505Cys (NM_001370442.1); short protein forms W382C, W388C, W393C, W505C, W556C, W557C, W562C, W563C.
Identifiers: ClinVar variation 1707986 (VCV001707986.2), dbSNP rs2545530782, ClinGen allele CA396053079.